The following is an entry in ClinVar:

ClinVar aggregate classification (germline): Uncertain significance (1 of 4 stars; one submission).

gnomAD v4.1: 1 of 1,614,080 alleles (0.000062%); highest among the groups gnomAD compares: Admixed American, 0.0017%; no homozygotes.

Submission:

Labcorp Genetics (formerly Invitae), Labcorp
Classification: Uncertain significance. Last evaluated: 2025-08-10. Review status: criteria provided, single submitter. Criteria: Invitae Variant Classification Sherloc (09022015). Collection method: clinical testing. Allele origin: germline.
Comment: This sequence change replaces asparagine, which is neutral and polar, with serine, which is neutral and polar, at codon 227 of the NTRK2 protein (p.Asn227Ser). This variant is present in population databases (no rsID available, gnomAD 0.0009%). This variant has not been reported in the literature in individuals affected with NTRK2-related conditions. Invitae Evidence Modeling of protein sequence and biophysical properties (such as structural, functional, and spatial information, amino acid conservation, physicochemical variation, residue mobility, and thermodynamic stability) indicates that this missense variant is not expected to disrupt NTRK2 protein function with a negative predictive value of 80%. In summary, the available evidence is currently insufficient to determine the role of this variant in disease. Therefore, it has been classified as a Variant of Uncertain Significance.

NM_006180.6(NTRK2):c.680A>G (p.Asn227Ser)

Gene: NTRK2 (neurotrophic receptor tyrosine kinase 2; plus strand). Cytogenetic location: 9q21.33.
Variant type: single nucleotide variant.
Coding change: c.680A>G on transcript NM_006180.6 (MANE Select); coding-DNA position 680, A replaced by G.
Protein change: p.Asn227Ser; replaces asparagine 227 with serine.
Molecular consequence: missense variant.
Genome position (GRCh38, 1-based): chr9:84,723,669, A>G. VCF-style: chr9-84723669-A-G. GRCh37 (hg19) VCF-style: chr9-87338584-A-G.
Other names: c.680A>G, p.Asn227Ser (NM_001007097.3, NM_001018064.3, NM_001018065.2 and 18 more transcripts); c.212A>G, p.Asn71Ser (NM_001369535.1, NM_001369536.1, NM_001369550.1 and 2 more transcripts); short protein forms N227S, N71S.
Identifiers: ClinVar variation 4760007 (VCV004760007.1).